The following continues an entry in ClinVar:

NM_000059.4(BRCA2):c.10110G>A (p.Arg3370=)

Gene: BRCA2. ClinVar aggregate classification (germline): Benign. Benign (1).

Submissions 24 to 33 of 33:

GeneDx
Classification: Benign. Last evaluated: 2013-12-16. Review status: criteria provided, single submitter. Criteria: GeneDx Variant Classification (06012015). Collection method: clinical testing. Allele origin: germline. Affected: yes. Not counted in ClinVar's aggregate classification.
Comment: This variant is considered likely benign or benign based on one or more of the following criteria: it is a conservative change, it occurs at a poorly conserved position in the protein, it is predicted to be benign by multiple in silico algorithms, and/or has population frequency not consistent with disease.

PreventionGenetics, part of Exact Sciences
Classification: Likely benign for BRCA2-related condition. Last evaluated: 2024-05-22. Review status: no assertion criteria provided. Collection method: clinical testing. Allele origin: germline. Not counted in ClinVar's aggregate classification.
Comment: This variant is classified as likely benign based on ACMG/AMP sequence variant interpretation guidelines (Richards et al. 2015 PMID: 25741868, with internal and published modifications).

True Health Diagnostics
Classification: Likely benign for Hereditary cancer-predisposing syndrome. Last evaluated: 2017-10-10. Review status: no assertion criteria provided. Collection method: clinical testing. Allele origin: germline. Not counted in ClinVar's aggregate classification.

Mayo Clinic Laboratories, Mayo Clinic
Classification: Likely benign. Last evaluated: 2017-05-15. Review status: no assertion criteria provided. Collection method: clinical testing. Allele origin: unknown. Not counted in ClinVar's aggregate classification.

Breast Cancer Information Core (BIC) (BRCA2)
Classification: Uncertain significance for Breast-ovarian cancer, familial 2. Last evaluated: 2000-06-12. Review status: no assertion criteria provided. Collection method: clinical testing. Allele origin: germline. Affected: yes. Observed: 6 variant alleles. Not counted in ClinVar's aggregate classification.

Clinical Genetics Laboratory, Department of Pathology, Netherlands Cancer Institute
Classification: Benign. Review status: no assertion criteria provided. Collection method: clinical testing. Allele origin: germline. Affected: yes. Study: VKGL Data-share Consensus. Not counted in ClinVar's aggregate classification.

Department of Pathology and Laboratory Medicine, Sinai Health System
Classification: Benign. Review status: no assertion criteria provided. Collection method: clinical testing. Allele origin: unknown. Affected: yes. Observed: 4 variant alleles. Study: The Canadian Open Genetics Repository (COGR). Not counted in ClinVar's aggregate classification.
Comment: BRCA2, c.10110G>A, p.Arg3370Arg, Predicted Benign. This variant is not expected to have clinical significance because it does not alter an amino acid residue, is not located near a splice junction, is listed in dbSNP (rs28897762) from a clinical source with an average heterozygosity and standard error of 0.004+/-0.047, and was also detected, with similar frequencies, in various ethnic mutation screening studies without any information to assess the significance of this variant (Bergthorsson_2001_11389159, Campos_2001_11843247, Diez_2003_12955716, Edwards_2003_12474142, Claes_2004_15026808, Infante_2006_16758124, Borg_2010_20104584, Stegel_2011_21232165). In addition, this variant is listed in the UMD mutation database to co-occur with a pathogenic mutation in BRCA1 (c.5330T>A/p.Tyr1769X), increasing the likelihood that p.Arg3370Arg is benign. Further, Myriad calls this a polymorphism (personal communication). In summary, based on the above information, the p.Arg3370Arg variant is predicted to be benign.

Diagnostic Laboratory, Department of Genetics, University Medical Center Groningen
Classification: Benign for Breast-ovarian cancer, familial, susceptibility to, 2. Review status: no assertion criteria provided. Collection method: clinical testing. Allele origin: germline. Affected: yes. Study: VKGL Data-share Consensus. Not counted in ClinVar's aggregate classification.

Joint Genome Diagnostic Labs from Nijmegen and Maastricht, Radboudumc and MUMC+
Classification: Benign. Review status: no assertion criteria provided. Collection method: clinical testing. Allele origin: germline. Affected: yes. Study: VKGL Data-share Consensus. Not counted in ClinVar's aggregate classification.

Laboratory of Diagnostic Genome Analysis, Leiden University Medical Center (LUMC)
Classification: Benign. Review status: no assertion criteria provided. Collection method: clinical testing. Allele origin: germline. Affected: yes. Study: VKGL Data-share Consensus. Not counted in ClinVar's aggregate classification.

Literature cited by the submitters: DOI 10.3389/fgene.2022.834265 (cited by National Health Laboratory Service, Universitas Academic Hospital and University of the Free State); PubMed 36329109 (cited by Genetics Program, Instituto Nacional de Cancer); PubMed 28324225 (cited by Sema4); PubMed 22713736 (cited by Sema4 and Women's Health and Genetics/Laboratory Corporation of America, LabCorp); PubMed 21147080 (cited by Sema4); PubMed 16758124 (cited by Sema4); PubMed 11389159 (cited by Sema4 and Women's Health and Genetics/Laboratory Corporation of America, LabCorp); PubMed 20104584 (cited by Sema4 and Women's Health and Genetics/Laboratory Corporation of America, LabCorp); PubMed 12474142 (cited by Women's Health and Genetics/Laboratory Corporation of America, LabCorp); PubMed 21232165 (cited by Women's Health and Genetics/Laboratory Corporation of America, LabCorp); PubMed 12955716 (cited by Women's Health and Genetics/Laboratory Corporation of America, LabCorp); PubMed 15635067 (cited by Women's Health and Genetics/Laboratory Corporation of America, LabCorp); PubMed 22505045 (cited by Women's Health and Genetics/Laboratory Corporation of America, LabCorp).